The following is an entry in ClinVar:

ClinVar aggregate classification (germline): Benign (1 of 4 stars; one submission).

Submission:

ISCA site 4
Classification: Benign. Last evaluated: 2011-08-12. Review status: criteria provided, single submitter. Criteria: Kaminsky et al. (Genet Med. 2011). Collection method: clinical testing. Allele origin: unknown. Affected: yes. Observed: 1 variant allele.
Comment: Copy number variation identified through the course of routine clinical cytogenomic testing in postnatal populations. Clinical assertions have been curated as described in Kaminsky et al. 2011.

GRCh38/hg38 5p15.33(chr5:629340-820360)x1

Genes: CEP72 (centrosomal protein 72), TPPP (tubulin polymerization promoting protein; minus strand), ZDHHC11 (zinc finger DHHC-type containing 11; minus strand), ZDHHC11B (zinc finger DHHC-type containing 11B; minus strand), LOC129993564 (ATAC-STARR-seq lymphoblastoid silent region 15876; plus strand) and 20 more. Cytogenetic location: 5p15.33.
Variant type: copy number loss.
Change: copy number 1 (one copy instead of two) of chr5:629,340-820,360 (191.0 kb, GRCh38 coordinates, 1-based), cytogenetic band 5p15.33.
Identifiers: ClinVar variation 160953 (VCV000160953.1).